The following is an entry in ClinVar:

NM_001291303.3(FAT4):c.4305C>T (p.Ile1435=)

Gene: FAT4 (FAT atypical cadherin 4; plus strand). Cytogenetic location: 4q28.1.
Variant type: single nucleotide variant.
Coding change: c.4305C>T on transcript NM_001291303.3 (MANE Select); coding-DNA position 4305, C replaced by T.
Protein change: p.Ile1435=; no amino-acid change (isoleucine 1435 retained).
Molecular consequence: synonymous variant.
Genome position (GRCh38, 1-based): chr4:125,320,716, C>T. VCF-style: chr4-125320716-C-T. GRCh37 (hg19) VCF-style: chr4-126241871-C-T.
Other names: p.Ile1435=; c.4305C>T, p.Ile1435= (NM_001291285.3, NM_024582.6).
Identifiers: ClinVar variation 377855 (VCV000377855.20), dbSNP rs2710555, ClinGen allele CA3072447.

ClinVar aggregate classification (germline): Benign. Review status: criteria provided, multiple submitters, no conflicts (2 of 4 stars). 11 submissions from 10 submitters: Benign (9). 2 of the submissions do not count toward it. Last evaluated 2026-02-04.

Conditions:
Van Maldergem syndrome 2 (VMLDS2). Identifiers: Orphanet 314679, MedGen C3809875, MONDO:0014242, OMIM 615546.
Hennekam lymphangiectasia-lymphedema syndrome 2 (HKLLS2). Identifiers: Orphanet 2136, MedGen C4014939, MONDO:0014454, OMIM 616006.

Allele frequency attached by ClinVar (database versions not stated): gnomAD exomes 0.69086 and 0.70115; ExAC 0.69741; 1000 Genomes Project 0.71126; 1000 Genomes Project 30x 0.72299; gnomAD 0.73408 and 0.73896; ESP Exome Variant Server 0.75436; TOPMed 0.74437.
gnomAD v4.1: 1,136,279 of 1,613,428 alleles (70%); highest among the groups gnomAD compares: African/African-American, 86%; 403,225 homozygotes.

Submissions (11):

Labcorp Genetics (formerly Invitae), Labcorp
Classification: Benign. Last evaluated: 2026-02-04. Review status: criteria provided, single submitter. Criteria: Invitae Variant Classification Sherloc (09022015). Collection method: clinical testing. Allele origin: germline.

Blueprint Genetics
Classification: Benign. Last evaluated: 2024-11-26. Review status: criteria provided, single submitter. Criteria: ACMG Guidelines, 2015. Collection method: clinical testing. Allele origin: germline.

Unidad de Genómica Garrahan, Hospital de Pediatría Garrahan
Classification: Benign. Last evaluated: 2024-01-24. Review status: criteria provided, single submitter. Criteria: ACMG Guidelines, 2015. Collection method: clinical testing. Allele origin: germline. Affected: no. Observed: 90 variant alleles.
Comment: This variant is classified as Benign based on local population frequency. This variant was detected in 95% of patients studied by a panel of primary immunodeficiencies. Number of patients: 90. Only high quality variants are reported.

Genome-Nilou Lab
Classification: Benign for Hennekam lymphangiectasia-lymphedema syndrome 2. Last evaluated: 2021-08-10. Review status: criteria provided, single submitter. Criteria: ACMG Guidelines, 2015. Collection method: clinical testing. Allele origin: germline. Affected: no.

Genome-Nilou Lab
Classification: Benign for Van Maldergem syndrome 2. Last evaluated: 2021-08-10. Review status: criteria provided, single submitter. Criteria: ACMG Guidelines, 2015. Collection method: clinical testing. Allele origin: germline. Affected: no.

Mayo Clinic Laboratories, Mayo Clinic
Classification: Benign. Last evaluated: 2021-04-07. Review status: criteria provided, single submitter. Criteria: ACMG Guidelines, 2015. Collection method: clinical testing. Allele origin: germline. Observed: 3 variant alleles.

Laboratory for Molecular Medicine, Mass General Brigham Personalized Medicine
Classification: Benign. Last evaluated: 2016-03-29. Review status: criteria provided, single submitter. Criteria: LMM Criteria. Collection method: clinical testing. Allele origin: germline.
Comment: Variant identified in a genome or exome case(s) and assessed due to predicted null impact of the variant or pathogenic assertions in the literature or databases. Disclaimer: This variant has not undergone full assessment. The following are preliminary notes: 70% of total chromosomes in ExAC

GeneDx
Classification: Benign. Last evaluated: 2016-01-08. Review status: criteria provided, single submitter. Criteria: GeneDx Variant Classification (06012015). Collection method: clinical testing. Allele origin: germline. Affected: yes.
Comment: This variant is considered likely benign or benign based on one or more of the following criteria: it is a conservative change, it occurs at a poorly conserved position in the protein, it is predicted to be benign by multiple in silico algorithms, and/or has population frequency not consistent with disease.

Breakthrough Genomics
Classification: Benign. Review status: criteria provided, single submitter. Criteria: ACMG Guidelines, 2015. Collection method: not provided. Allele origin: germline. Inheritance: Autosomal recessive inheritance. Affected: yes.

Clinical Genetics DNA and cytogenetics Diagnostics Lab, Erasmus MC, Erasmus Medical Center
Classification: Benign. Review status: no assertion criteria provided. Collection method: clinical testing. Allele origin: germline. Affected: yes. Study: VKGL Data-share Consensus. Not counted in ClinVar's aggregate classification.

Clinical Genetics, Academic Medical Center
Classification: Benign. Review status: no assertion criteria provided. Collection method: clinical testing. Allele origin: germline. Affected: yes. Study: VKGL Data-share Consensus. Not counted in ClinVar's aggregate classification.